The following is an entry in ClinVar:

ClinVar aggregate classification (germline): Uncertain significance (1 of 4 stars; one submission).

Conditions:
Autosomal recessive Alport syndrome (ATS2). Also called: ALPORT SYNDROME 2, AUTOSOMAL RECESSIVE; COL4A4 Alport Syndrome and Thin Basement Membrane Nephropathy; COL4A3-Related Nephropathy; Alport syndrome type 2. Identifiers: Orphanet 63, Orphanet 88919, MedGen C4746745, MONDO:0008762, OMIM 203780.

Submission:

MVZ Medizinische Genetik Mainz
Classification: Uncertain significance for Autosomal recessive Alport syndrome. Last evaluated: 2023-11-23. Review status: criteria provided, single submitter. Criteria: UK Practice Guidelines For Variant Classification V4 01 2020. Collection method: clinical testing. Allele origin: germline. Inheritance: Autosomal dominant inheritance. Affected: yes. Observed: 1 variant allele.
Comment: ACMG Criteria: PM2_SUP

NM_000092.5(COL4A4):c.2159C>A (p.Pro720Gln)

Gene: COL4A4 (collagen type IV alpha 4 chain; minus strand). Cytogenetic location: 2q36.3.
Variant type: single nucleotide variant.
Coding change: c.2159C>A on transcript NM_000092.5 (MANE Select); coding-DNA position 2159, C replaced by A.
Protein change: p.Pro720Gln; replaces proline 720 with glutamine.
Molecular consequence: missense variant.
Genome position (GRCh38, 1-based): chr2:227,060,141, G>T on the plus strand (C>A on the coding strand, the complement: COL4A4 is on the minus strand). VCF-style: chr2-227060141-G-T. GRCh37 (hg19) VCF-style: chr2-227924857-G-T.
Other names: short protein forms P720Q.
Identifiers: ClinVar variation 3066334 (VCV003066334.1), dbSNP rs749186337, ClinGen allele CA350842267.